The following is an entry in ClinVar:

ClinVar aggregate classification (germline): Uncertain significance (1 of 4 stars; one submission).

gnomAD v4.1: 2 of 1,614,070 alleles (0.00012%); highest among the groups gnomAD compares: Admixed American, 0.0017%; no homozygotes.

Submission:

GeneDx
Classification: Uncertain significance. Last evaluated: 2022-08-17. Review status: criteria provided, single submitter. Criteria: GeneDx Variant Classification Process June 2021. Collection method: clinical testing. Allele origin: germline. Affected: yes.
Comment: Not observed at significant frequency in large population cohorts (gnomAD); In silico analysis supports that this missense variant does not alter protein structure/function; Has not been previously published as pathogenic or benign to our knowledge

NM_002473.6(MYH9):c.3672C>A (p.Asn1224Lys)

Gene: MYH9 (myosin heavy chain 9; minus strand). Cytogenetic location: 22q12.3.
Variant type: single nucleotide variant.
Coding change: c.3672C>A on transcript NM_002473.6 (MANE Select); coding-DNA position 3672, C replaced by A.
Protein change: p.Asn1224Lys; replaces asparagine 1224 with lysine.
Molecular consequence: missense variant.
Genome position (GRCh38, 1-based): chr22:36,294,257, G>T on the plus strand (C>A on the coding strand, the complement: MYH9 is on the minus strand). VCF-style: chr22-36294257-G-T. GRCh37 (hg19) VCF-style: chr22-36690303-G-T.
Other names: short protein forms N1224K.
Identifiers: ClinVar variation 2430828 (VCV002430828.1), dbSNP rs148258578, ClinGen allele CA411386777.
Genomic context (GRCh38, chr22:36,294,257, plus strand): 5'-CTCCGAGTCCCCTTTGCCCTGCAGCAGCACCTTCACCTCGTTGGCCAGCTCCCCCCGCTC[G>T]TTCTCCAGAGTCTGCTTTGCCTTCTCGAGGTTTGCTTTCACCTAGCAGGGAAGAAAGCAA-3'
Protein context (NP_002464.1, residues 1214-1234): NLEKAKQTLE[Asn1224Lys]ERGELANEVK